The following is an entry in ClinVar:

NM_001256317.3(TMPRSS3):c.1267G>A (p.Gly423Ser)

Gene: TMPRSS3 (transmembrane serine protease 3; minus strand). Cytogenetic location: 21q22.3.
Variant type: single nucleotide variant.
Coding change: c.1267G>A on transcript NM_001256317.3 (MANE Select); coding-DNA position 1267, G replaced by A.
Protein change: p.Gly423Ser; replaces glycine 423 with serine.
Molecular consequence: missense variant.
Genome position (GRCh38, 1-based): chr21:42,375,793, C>T on the plus strand (G>A on the coding strand, the complement: TMPRSS3 is on the minus strand). VCF-style: chr21-42375793-C-T. GRCh37 (hg19) VCF-style: chr21-43795902-C-T.
Other names: c.1270G>A, p.Gly424Ser (NM_024022.4); c.889G>A, p.Gly297Ser (NM_032404.3); short protein forms G297S, G423S, G424S.
Identifiers: ClinVar variation 3391574 (VCV003391574.1).

ClinVar aggregate classification (germline): Uncertain significance (1 of 4 stars; one submission).

gnomAD v4.1: 33 of 1,613,746 alleles (0.002%); highest among the groups gnomAD compares: South Asian, 0.013%; no homozygotes.

Submission:

GeneDx
Classification: Uncertain significance. Last evaluated: 2024-06-17. Review status: criteria provided, single submitter. Criteria: GeneDx Variant Classification Process June 2021. Collection method: clinical testing. Allele origin: germline. Affected: yes.
Comment: Not observed at significant frequency in large population cohorts (gnomAD); In silico analysis supports that this missense variant has a deleterious effect on protein structure/function; Has not been previously published as pathogenic or benign to our knowledge